The following is an entry in ClinVar:

NM_000297.4(PKD2):c.1273G>C (p.Asp425His)

Gene: PKD2 (polycystin 2, transient receptor potential cation channel; plus strand). Cytogenetic location: 4q22.1.
Variant type: single nucleotide variant.
Coding change: c.1273G>C on transcript NM_000297.4 (MANE Select); coding-DNA position 1273, G replaced by C.
Protein change: p.Asp425His; replaces aspartic acid 425 with histidine.
Molecular consequence: missense variant. On other transcripts: non-coding transcript variant (1).
Genome position (GRCh38, 1-based): chr4:88,043,411, G>C. VCF-style: chr4-88043411-G-C. GRCh37 (hg19) VCF-style: chr4-88964563-G-C.
Other names: short protein forms D425H.
Identifiers: ClinVar variation 860985 (VCV000860985.9), dbSNP rs1727652728, ClinGen allele CA357616130.

ClinVar aggregate classification (germline): Uncertain significance (1 of 4 stars; one submission).

Conditions:
Autosomal dominant polycystic kidney disease. Identifiers: Orphanet 730, MedGen C0085413, MONDO:0004691.

Submission:

Labcorp Genetics (formerly Invitae), Labcorp
Classification: Uncertain significance for Autosomal dominant polycystic kidney disease. Last evaluated: 2025-02-06. Review status: criteria provided, single submitter. Criteria: Invitae Variant Classification Sherloc (09022015). Collection method: clinical testing. Allele origin: germline.
Comment: This sequence change replaces aspartic acid, which is acidic and polar, with histidine, which is basic and polar, at codon 425 of the PKD2 protein (p.Asp425His). This variant is not present in population databases (gnomAD no frequency). This variant has not been reported in the literature in individuals affected with PKD2-related conditions. ClinVar contains an entry for this variant (Variation ID: 860985). Invitae Evidence Modeling of protein sequence and biophysical properties (such as structural, functional, and spatial information, amino acid conservation, physicochemical variation, residue mobility, and thermodynamic stability) indicates that this missense variant is expected to disrupt PKD2 protein function with a positive predictive value of 80%. In summary, the available evidence is currently insufficient to determine the role of this variant in disease. Therefore, it has been classified as a Variant of Uncertain Significance.